The following is an entry in ClinVar:

ClinVar aggregate classification (germline): Benign. Review status: criteria provided, multiple submitters, no conflicts (2 of 4 stars). 12 submissions from 11 submitters: Benign (8). 4 of the submissions do not count toward it. Last evaluated 2026-02-04.

Conditions:
Adams-Oliver syndrome 5 (AOS5). Identifiers: Orphanet 974, MedGen C4014970, MONDO:0014459, OMIM 616028.
Aortic valve disease 1 (AOVD1). Identifiers: MedGen C3887892, MONDO:0024523, OMIM 109730.

Allele frequency attached by ClinVar (database versions not stated): gnomAD exomes 0.49658 and 0.57686; ESP Exome Variant Server 0.55443; gnomAD 0.57467 and 0.58123; ExAC 0.57682; TOPMed 0.58552; 1000 Genomes Project 30x 0.69410; 1000 Genomes Project 0.69629.
gnomAD v4.1: 814,767 of 1,612,248 alleles (51%); highest among the groups gnomAD compares: East Asian, 92%; 216,604 homozygotes.

Submissions (12):

Labcorp Genetics (formerly Invitae), Labcorp
Classification: Benign for Adams-Oliver syndrome 5. Last evaluated: 2026-02-04. Review status: criteria provided, single submitter. Criteria: Invitae Variant Classification Sherloc (09022015). Collection method: clinical testing. Allele origin: germline.

Blueprint Genetics
Classification: Benign. Last evaluated: 2024-11-27. Review status: criteria provided, single submitter. Criteria: ACMG Guidelines, 2015. Collection method: clinical testing. Allele origin: germline.

Women's Health and Genetics/Laboratory Corporation of America, LabCorp
Classification: Benign. Last evaluated: 2023-04-04. Review status: criteria provided, single submitter. Criteria: LabCorp Variant Classification Summary - May 2015. Collection method: clinical testing. Allele origin: germline.

Genome-Nilou Lab
Classification: Benign for Adams-Oliver syndrome 5. Last evaluated: 2021-09-05. Review status: criteria provided, single submitter. Criteria: ACMG Guidelines, 2015. Collection method: clinical testing. Allele origin: germline. Affected: no.

Genome-Nilou Lab
Classification: Benign for Aortic valve disease 1. Last evaluated: 2021-09-05. Review status: criteria provided, single submitter. Criteria: ACMG Guidelines, 2015. Collection method: clinical testing. Allele origin: germline. Affected: no.

Mayo Clinic Laboratories, Mayo Clinic
Classification: Benign. Last evaluated: 2017-11-10. Review status: criteria provided, single submitter. Criteria: ACMG Guidelines, 2015. Collection method: clinical testing. Allele origin: germline. Observed: 1,106 variant alleles.

GeneDx
Classification: Benign. Last evaluated: 2016-09-22. Review status: criteria provided, single submitter. Criteria: GeneDx Variant Classification (06012015). Collection method: clinical testing. Allele origin: germline. Affected: yes.
Comment: This variant is considered likely benign or benign based on one or more of the following criteria: it is a conservative change, it occurs at a poorly conserved position in the protein, it is predicted to be benign by multiple in silico algorithms, and/or has population frequency not consistent with disease.

Breakthrough Genomics
Classification: Benign. Review status: criteria provided, single submitter. Criteria: ACMG Guidelines, 2015. Collection method: not provided. Allele origin: germline. Inheritance: Autosomal dominant inheritance. Affected: yes.

Clinical Genetics, Academic Medical Center
Classification: Benign. Review status: no assertion criteria provided. Collection method: clinical testing. Allele origin: germline. Affected: yes. Study: VKGL Data-share Consensus. Not counted in ClinVar's aggregate classification.

Diagnostic Laboratory, Department of Genetics, University Medical Center Groningen
Classification: Benign for Aortic valve disease 1. Review status: no assertion criteria provided. Collection method: clinical testing. Allele origin: germline. Affected: yes. Study: VKGL Data-share Consensus. Not counted in ClinVar's aggregate classification.

Genome Diagnostics Laboratory, Amsterdam University Medical Center
Classification: Benign. Review status: no assertion criteria provided. Collection method: clinical testing. Allele origin: germline. Affected: yes. Study: VKGL Data-share Consensus. Not counted in ClinVar's aggregate classification.

Joint Genome Diagnostic Labs from Nijmegen and Maastricht, Radboudumc and MUMC+
Classification: Benign. Review status: no assertion criteria provided. Collection method: clinical testing. Allele origin: germline. Affected: yes. Study: VKGL Data-share Consensus. Not counted in ClinVar's aggregate classification.

Literature cited by the submitters: PubMed 16614245 (cited by Women's Health and Genetics/Laboratory Corporation of America, LabCorp); PubMed 19635999 (cited by Women's Health and Genetics/Laboratory Corporation of America, LabCorp); PubMed 19245433 (cited by Women's Health and Genetics/Laboratory Corporation of America, LabCorp); PubMed 22858860 (cited by Women's Health and Genetics/Laboratory Corporation of America, LabCorp).

NM_017617.5(NOTCH1):c.1441+7C>T

Gene: NOTCH1 (notch receptor 1; minus strand). Cytogenetic location: 9q34.3.
Variant type: single nucleotide variant.
Coding change: c.1441+7C>T on transcript NM_017617.5 (MANE Select); 7 bases into the intron after coding-DNA position 1441, C replaced by T.
Molecular consequence: intron variant.
Genome position (GRCh38, 1-based): chr9:136,517,745, G>A on the plus strand (C>T on the coding strand, the complement: NOTCH1 is on the minus strand). VCF-style: chr9-136517745-G-A. GRCh37 (hg19) VCF-style: chr9-139412197-G-A.
Other names: p.?; c.1441+7C>T (NM_017617.4, LRG_1122t1).
Identifiers: ClinVar variation 384693 (VCV000384693.20), dbSNP rs9411208, ClinGen allele CA5341808.